The following is an entry in ClinVar:

NM_004738.5(VAPB):c.681G>A (p.Leu227=)

Gene: VAPB (VAMP associated protein B and C; plus strand). Cytogenetic location: 20q13.32.
Variant type: single nucleotide variant.
Coding change: c.681G>A on transcript NM_004738.5 (MANE Select); coding-DNA position 681, G replaced by A.
Protein change: p.Leu227=; no amino-acid change (leucine 227 retained).
Molecular consequence: synonymous variant. On other transcripts: 3 prime UTR variant (1), non-coding transcript variant (1).
Genome position (GRCh38, 1-based): chr20:58,444,184, G>A. VCF-style: chr20-58444184-G-A. GRCh37 (hg19) VCF-style: chr20-57019240-G-A.
Other names: c.*19G>A (NM_001195677.2); c.681G>A (NM_004738.4).
Identifiers: ClinVar variation 1164665 (VCV001164665.12), dbSNP rs778389082, ClinGen allele CA9924329.

ClinVar aggregate classification (germline): Benign/Likely benign. Review status: criteria provided, multiple submitters, no conflicts (2 of 4 stars). 2 submissions from 2 submitters: Benign (1); Likely benign (1). Last evaluated 2026-02-02.

Conditions:
VAPB-related disorder. Also called: VAPB-related condition.
Amyotrophic lateral sclerosis type 8 (ALS8). Identifiers: Orphanet 803, MedGen C1837728, MONDO:0012077, OMIM 608627.
Adult-onset proximal spinal muscular atrophy, autosomal dominant. Also called: Spinal muscular atrophy, late-onset, finkel type; FINKEL LATE-ADULT TYPE SMA. Identifiers: Orphanet 209335, MedGen C1854058, MONDO:0008453, OMIM 182980.

Allele frequency attached by ClinVar (database versions not stated): gnomAD 0.00001; TOPMed 0.00002; gnomAD exomes 0.00003 and 0.00007; ExAC 0.00004.
gnomAD v4.1: 18 of 1,614,110 alleles (0.0011%); highest among the groups gnomAD compares: East Asian, 0.038%; no homozygotes.

Submissions (2):

Labcorp Genetics (formerly Invitae), Labcorp
Classification: Benign for Adult-onset proximal spinal muscular atrophy, autosomal dominant; Amyotrophic lateral sclerosis type 8. Last evaluated: 2026-02-02. Review status: criteria provided, single submitter. Criteria: Invitae Variant Classification Sherloc (09022015). Collection method: clinical testing. Allele origin: germline.

PreventionGenetics, part of Exact Sciences
Classification: Likely benign for VAPB-related condition. Last evaluated: 2025-07-30. Review status: criteria provided, single submitter. Criteria: ACMG Guidelines, 2015. Collection method: clinical testing. Allele origin: germline.
Comment: This variant is classified as likely benign based on ACMG/AMP sequence variant interpretation guidelines (Richards et al. 2015 PMID: 25741868, with internal and published modifications).